The following is an entry in ClinVar:

NM_000092.5(COL4A4):c.508G>A (p.Gly170Arg)

Gene: COL4A4 (collagen type IV alpha 4 chain; minus strand). Cytogenetic location: 2q36.3.
Variant type: single nucleotide variant.
Coding change: c.508G>A on transcript NM_000092.5 (MANE Select); coding-DNA position 508, G replaced by A.
Protein change: p.Gly170Arg; replaces glycine 170 with arginine.
Molecular consequence: missense variant.
Genome position (GRCh38, 1-based): chr2:227,114,678, C>T on the plus strand (G>A on the coding strand, the complement: COL4A4 is on the minus strand). VCF-style: chr2-227114678-C-T. GRCh37 (hg19) VCF-style: chr2-227979394-C-T.
Other names: p.(Gly170Arg); short protein forms G170R.
Identifiers: ClinVar variation 2734412 (VCV002734412.5), dbSNP rs2061396039, ClinGen allele CA350861502.

ClinVar aggregate classification (germline): Conflicting classifications of pathogenicity. Review status: criteria provided, conflicting classifications (1 of 4 stars). 3 submissions from 3 submitters: Likely pathogenic (2); Uncertain significance (1). Last evaluated 2026-05-27.

Conditions:
Autosomal recessive Alport syndrome (ATS2). Also called: COL4A4 Alport Syndrome and Thin Basement Membrane Nephropathy; Alport syndrome type 2; COL4A3-Related Nephropathy; ALPORT SYNDROME 2, AUTOSOMAL RECESSIVE. Identifiers: Orphanet 63, Orphanet 88919, MedGen C4746745, MONDO:0008762, OMIM 203780.
Hematuria, benign familial, 1 (BFH1). Also called: THIN MEMBRANE NEPHROPATHY. Identifiers: MedGen CN376803, MONDO:0007709, OMIM 141200.
Autosomal dominant Alport syndrome (ATS3A). Also called: Alport syndrome dominant type; Renal failure and sensorineural hearing loss; ALPORT SYNDROME 3A, AUTOSOMAL DOMINANT. Identifiers: Orphanet 63, Orphanet 88918, MedGen C5882663, MONDO:0007086, OMIM 104200.

Submissions (3):

Centre de Génétique Humaine, Institut de Pathologie Et de Génétique
Classification: Likely pathogenic for Autosomal dominant Alport syndrome. Last evaluated: 2026-05-27. Review status: criteria provided, single submitter. Criteria: ACMG Guidelines, 2015. Collection method: clinical testing. Allele origin: germline. Inheritance: Autosomal dominant inheritance. Affected: yes. Observed: 1 variant allele, 1 heterozygote. Segregation with disease not observed.
Comment: This missense variant involves a moderately conserved glycine located in a ‘Gly-X-Y’ motif in collagenous region, which is characteristic of the pathogenic variants identified in the COL4A4 gene (PM1,PP2). This variant is rare: absent in gnomAD v4.1.0 database (PM2). Another missense variant affecting the same residue described as LP in ClinVar: c.509G>A (p.Gly170Glu) (PM5). In silico analysis supports that this missense variant has a deleterious effect (PP3). Described as LP/P in the scientific litterature in AR/AD AS (PP5)

Fulgent Genetics
Classification: Likely pathogenic for Hematuria, benign familial, 1; Autosomal recessive Alport syndrome. Last evaluated: 2024-06-07. Review status: criteria provided, single submitter. Criteria: ACMG Guidelines, 2015. Collection method: clinical testing. Allele origin: germline.

Labcorp Genetics (formerly Invitae), Labcorp
Classification: Uncertain significance. Last evaluated: 2023-02-22. Review status: criteria provided, single submitter. Criteria: Invitae Variant Classification Sherloc (09022015). Collection method: clinical testing. Allele origin: germline.
Comment: This missense change has been observed in individual(s) with clinical features of Alport syndrome (PMID: 24854265). This sequence change replaces glycine, which is neutral and non-polar, with arginine, which is basic and polar, at codon 170 of the COL4A4 protein (p.Gly170Arg). This variant is not present in population databases (gnomAD no frequency). Advanced modeling of protein sequence and biophysical properties (such as structural, functional, and spatial information, amino acid conservation, physicochemical variation, residue mobility, and thermodynamic stability) performed at Invitae indicates that this missense variant is expected to disrupt COL4A4 protein function. In summary, the available evidence is currently insufficient to determine the role of this variant in disease. Therefore, it has been classified as a Variant of Uncertain Significance.

Literature cited by the submitters: PubMed 24854265 (cited by Centre de Génétique Humaine, Institut de Pathologie Et de Génétique and Labcorp Genetics (formerly Invitae), Labcorp); PubMed 41872207 (cited by Centre de Génétique Humaine, Institut de Pathologie Et de Génétique).